The following is an entry in ClinVar:

ClinVar aggregate classification (germline): Uncertain significance. Review status: criteria provided, multiple submitters, no conflicts (2 of 4 stars). 2 submissions from 2 submitters: Uncertain significance (2). Last evaluated 2025-11-26.

Allele frequency attached by ClinVar (database versions not stated): ExAC 0.00001; gnomAD 0.00003; TOPMed 0.00003; gnomAD exomes 0.00006.
gnomAD v4.1: 90 of 1,614,132 alleles (0.0056%); highest among the groups gnomAD compares: Non-Finnish European, 0.0069%; no homozygotes.

Submissions (2):

Ambry Genetics
Classification: Uncertain significance. Last evaluated: 2025-11-26. Review status: criteria provided, single submitter. Criteria: Ambry Variant Classification Scheme 2023. Collection method: clinical testing. Allele origin: germline.

Labcorp Genetics (formerly Invitae), Labcorp
Classification: Uncertain significance. Last evaluated: 2025-08-03. Review status: criteria provided, single submitter. Criteria: Invitae Variant Classification Sherloc (09022015). Collection method: clinical testing. Allele origin: germline.
Comment: This sequence change replaces leucine, which is neutral and non-polar, with valine, which is neutral and non-polar, at codon 603 of the KL protein (p.Leu603Val). This variant is present in population databases (rs757887898, gnomAD 0.007%). This variant has not been reported in the literature in individuals affected with KL-related conditions. ClinVar contains an entry for this variant (Variation ID: 2055192). Invitae Evidence Modeling of protein sequence and biophysical properties (such as structural, functional, and spatial information, amino acid conservation, physicochemical variation, residue mobility, and thermodynamic stability) indicates that this missense variant is not expected to disrupt KL protein function with a negative predictive value of 80%. In summary, the available evidence is currently insufficient to determine the role of this variant in disease. Therefore, it has been classified as a Variant of Uncertain Significance.

NM_004795.4(KL):c.1807C>G (p.Leu603Val)

Gene: KL (klotho; plus strand). Cytogenetic location: 13q13.1.
Variant type: single nucleotide variant.
Coding change: c.1807C>G on transcript NM_004795.4 (MANE Select); coding-DNA position 1807, C replaced by G.
Protein change: p.Leu603Val; replaces leucine 603 with valine.
Molecular consequence: missense variant.
Genome position (GRCh38, 1-based): chr13:33,060,886, C>G. VCF-style: chr13-33060886-C-G. GRCh37 (hg19) VCF-style: chr13-33635023-C-G.
Other names: c.1807C>G (NM_004795.3); short protein forms L603V.
Identifiers: ClinVar variation 2055192 (VCV002055192.7), dbSNP rs757887898, ClinGen allele CA6944188.